The following is an entry in ClinVar:

ClinVar aggregate classification (germline): Uncertain significance (1 of 4 stars; one submission).

Allele frequency attached by ClinVar (database versions not stated): ESP Exome Variant Server 0.00008.
gnomAD v4.1: 7 of 1,613,460 alleles (0.00043%); highest among the groups gnomAD compares: African/African-American, 0.004%; no homozygotes.

Submission:

Labcorp Genetics (formerly Invitae), Labcorp
Classification: Uncertain significance. Last evaluated: 2023-02-03. Review status: criteria provided, single submitter. Criteria: Invitae Variant Classification Sherloc (09022015). Collection method: clinical testing. Allele origin: germline.
Comment: In summary, the available evidence is currently insufficient to determine the role of this variant in disease. Therefore, it has been classified as a Variant of Uncertain Significance. Algorithms developed to predict the effect of missense changes on protein structure and function (SIFT, PolyPhen-2, Align-GVGD) all suggest that this variant is likely to be disruptive. This variant has not been reported in the literature in individuals affected with PTH1R-related conditions. This variant is present in population databases (rs200062157, gnomAD 0.007%). This sequence change replaces aspartic acid, which is acidic and polar, with glutamic acid, which is acidic and polar, at codon 572 of the PTH1R protein (p.Asp572Glu).

NM_000316.3(PTH1R):c.1716C>G (p.Asp572Glu)

Gene: PTH1R (parathyroid hormone 1 receptor; plus strand). Cytogenetic location: 3p21.31.
Variant type: single nucleotide variant.
Coding change: c.1716C>G on transcript NM_000316.3 (MANE Select); coding-DNA position 1716, C replaced by G.
Protein change: p.Asp572Glu; replaces aspartic acid 572 with glutamic acid.
Molecular consequence: missense variant.
Genome position (GRCh38, 1-based): chr3:46,903,590, C>G. VCF-style: chr3-46903590-C-G. GRCh37 (hg19) VCF-style: chr3-46945080-C-G.
Other names: c.1716C>G, p.Asp572Glu (NM_001184744.1); short protein forms D572E.
Identifiers: ClinVar variation 2988801 (VCV002988801.3), dbSNP rs200062157, ClinGen allele CA2359612.